The following is an entry in ClinVar:

ClinVar aggregate classification (germline): Likely benign. Review status: criteria provided, single submitter (1 of 4 stars). 2 submissions from 2 submitters: Likely benign (1). 1 of the submissions does not count toward it. Last evaluated 2025-01-25.

Conditions:
CDH23-related disorder. Also called: CDH23-related disorders; CDH23-related condition.

Allele frequency attached by ClinVar (database versions not stated): ESP Exome Variant Server 0.00008.
gnomAD v4.1: 18 of 1,612,914 alleles (0.0011%); highest among the groups gnomAD compares: East Asian, 0.0089%; no homozygotes.

Submissions (2):

Labcorp Genetics (formerly Invitae), Labcorp
Classification: Likely benign. Last evaluated: 2025-01-25. Review status: criteria provided, single submitter. Criteria: Invitae Variant Classification Sherloc (09022015). Collection method: clinical testing. Allele origin: germline.

PreventionGenetics, part of Exact Sciences
Classification: Likely benign for CDH23-related condition. Last evaluated: 2020-01-06. Review status: no assertion criteria provided. Collection method: clinical testing. Allele origin: germline. Not counted in ClinVar's aggregate classification.
Comment: This variant is classified as likely benign based on ACMG/AMP sequence variant interpretation guidelines (Richards et al. 2015 PMID: 25741868, with internal and published modifications).

NM_022124.6(CDH23):c.3330C>T (p.Ser1110=)

Genes: C10orf105 (chromosome 10 open reading frame 105; minus strand), CDH23 (cadherin related 23; plus strand). Cytogenetic location: 10q22.1.
Variant type: single nucleotide variant.
Coding change: c.3330C>T on transcript NM_022124.6 (MANE Select); coding-DNA position 3330, C replaced by T.
Protein change: p.Ser1110=; no amino-acid change (serine 1110 retained).
Molecular consequence: synonymous variant. On other transcripts: 3 prime UTR variant (2).
Genome position (GRCh38, 1-based): chr10:71,712,774, C>T. VCF-style: chr10-71712774-C-T. GRCh37 (hg19) VCF-style: chr10-73472531-C-T.
Other names: c.*3162G>A (NM_001164375.3, NM_001168390.2); c.3330C>T, p.Ser1110= (NM_001171930.2).
Identifiers: ClinVar variation 1119847 (VCV001119847.12), dbSNP rs371962929, ClinGen allele CA5544553.